The following is an entry in ClinVar:

NM_001009944.3(PKD1):c.1606+2T>G

Gene: PKD1 (polycystin 1, transient receptor potential channel interacting; minus strand). Cytogenetic location: 16p13.3.
Variant type: single nucleotide variant.
Coding change: c.1606+2T>G on transcript NM_001009944.3 (MANE Select); the canonical splice donor site of the intron after coding-DNA position 1606, T replaced by G.
Molecular consequence: splice donor variant.
Genome position (GRCh38, 1-based): chr16:2,116,831, A>C on the plus strand (T>G on the coding strand, the complement: PKD1 is on the minus strand). VCF-style: chr16-2116831-A-C. GRCh37 (hg19) VCF-style: chr16-2166832-A-C.
Other names: c.1606+2T>G (NM_000296.4).
Identifiers: ClinVar variation 3068323 (VCV003068323.1), dbSNP rs2544871660, ClinGen allele CA394391645.

ClinVar aggregate classification (germline): Pathogenic (1 of 4 stars; one submission).

Conditions:
Polycystic kidney disease, adult type (PKD1). Also called: Polycystic Kidney, Autosomal Dominant; POLYCYSTIC KIDNEY DISEASE 1 WITH OR WITHOUT POLYCYSTIC LIVER DISEASE; Polycystic Kidney Disease 1, Autosomal Dominant; Polycystic kidney disease 1; Polycystic kidney disease 1, severe; POLYCYSTIC KIDNEY DISEASE, ADULT, TYPE I. Identifiers: MedGen C3149841, MONDO:0008263, OMIM 173900.

Submission:

MVZ Medizinische Genetik Mainz
Classification: Pathogenic for Polycystic kidney disease, adult type. Last evaluated: 2022-12-20. Review status: criteria provided, single submitter. Criteria: UK Practice Guidelines For Variant Classification V4 01 2020. Collection method: clinical testing. Allele origin: germline. Inheritance: Autosomal dominant inheritance. Affected: yes. Observed: 1 variant allele.
Comment: ACMG Criteria: PVS1, PS1_SUP, PM2_SUP, PP4 (ACMG Version 4)